The following is an entry in ClinVar:

ClinVar aggregate classification (germline): Pathogenic (1 of 4 stars; one submission).

Conditions:
Fanconi anemia complementation group A (FANCA). Also called: FANCA-Related Fanconi Anemia; Fanconi anemia, group A. Identifiers: Orphanet 84, MedGen C3469521, MONDO:0009215, OMIM 227650.

Submission:

Myriad Genetics, Inc.
Classification: Pathogenic for Fanconi anemia complementation group A. Last evaluated: 2026-08-19. Review status: criteria provided, single submitter. Criteria: Myriad Autosomal Dominant, Autosomal Recessive and X-Linked Classification Criteria (2023). Collection method: clinical testing. Allele origin: unknown.
Comment: NM_000135.2(FANCA):c.1853_1866dup14(Q623Tfs*22) is a frameshift variant classified as pathogenic in the context of Fanconi anemia complementation group A. Q623Tfs*22 has not been observed in cases with relevant disease. Relevant functional assessments of this variant are not available in the literature. Q623Tfs*22 has not been observed in referenced population frequency databases. In summary, NM_000135.2(FANCA):c.1853_1866dup14(Q623Tfs*22) is a frameshift variant in a gene where loss of function is a known mechanism of disease and is predicted to disrupt protein function. Please note: this variant was assessed in the context of healthy population screening.

NM_000135.4(FANCA):c.1853_1866dup (p.Gln623fs)

Gene: FANCA (FA complementation group A; minus strand). Cytogenetic location: 16q24.3.
Variant type: Duplication.
Coding change: c.1853_1866dup on transcript NM_000135.4 (MANE Select); coding-DNA positions 1853 to 1866, 14 bases duplicated (ACTCCACCTACTGC).
Protein change: p.Gln623fs; shifts the reading frame from glutamine 623.
Molecular consequence: frameshift variant.
Genome position (GRCh38, 1-based): chr16:89,775,776-89,775,789, GCAGTAGGTGGAGT duplicated on the plus strand (ACTCCACCTACTGC on the coding strand, the reverse complement: FANCA is on the minus strand). VCF-style (leftmost placement, unchanged base first): chr16-89775775-G-GGCAGTAGGTGGAGT. GRCh37 (hg19) VCF-style: chr16-89842183-G-GGCAGTAGGTGGAGT.
Other names: c.1853_1866dup, p.Gln623fs (NM_001286167.3); short protein forms Q623fs.
Identifiers: ClinVar variation 5004858 (VCV005004858.1).
Genomic context (GRCh38, chr16:89,775,775, plus strand): 5'-GAGTGGACAAGCGGCCCAGGAACTTACCTTCTGGCTTCTCTTCAGCAGCAGAGCAGGCCT[G>GGCAGTAGGTGGAGT]GCAGTAGGTGGAGTACAGAGATGGGGGGATTTTATCTGCTCTGGATCACAGGAAAACAAT-3'